The following is an entry in ClinVar:

ClinVar aggregate classification (germline): Pathogenic. Review status: reviewed by expert panel (3 of 4 stars). 10 submissions from 10 submitters: Pathogenic (1). 9 of the submissions do not count toward it. Last evaluated 2016-10-18.

Conditions:
Breast-ovarian cancer, familial, susceptibility to, 1 (BROVCA1). Also called: BRCA1 Hereditary Breast and Ovarian Cancer; OVARIAN CANCER, SUSCEPTIBILITY TO. Identifiers: Orphanet 145, MedGen C2676676, MONDO:0011450, OMIM 604370. Disease mechanism: loss of function.
Fanconi anemia, complementation group S (FANCS). Identifiers: MedGen C4554406, MONDO:0054748, OMIM 617883.
Familial cancer of breast. Also called: BREAST CANCER, FAMILIAL; hereditary breast carcinoma; Hereditary breast cancer. Identifiers: Orphanet 227535, MedGen C0346153, MONDO:0016419, OMIM 114480. Disease mechanism: loss of function.
Pancreatic cancer, susceptibility to, 4. Identifiers: Orphanet 1333, MedGen C3280442, MONDO:0013685, OMIM 614320.
Hereditary cancer-predisposing syndrome. Also called: Hereditary Cancer Syndrome; Neoplastic Syndromes, Hereditary; Hereditary neoplastic syndrome; Tumor predisposition. Identifiers: Orphanet 140162, MedGen C0027672, MeSH D009386, MONDO:0015356.
Hereditary breast ovarian cancer syndrome. Also called: Hereditary breast and ovarian cancer syndrome (HBOC); Breast and ovarian cancer; Hereditary breast and ovarian cancer syndrome; Hereditary breast and ovarian cancer; BRCA1- and BRCA2-Associated Hereditary Breast and Ovarian Cancer; Hereditary breast and/or ovarian cancer syndrome. Identifiers: Orphanet 145, MedGen C0677776, MeSH D061325, MONDO:0003582. Disease mechanism: loss of function.

Submissions (10):

Evidence-based Network for the Interpretation of Germline Mutant Alleles (ENIGMA)
Classification: Pathogenic for Breast-ovarian cancer, familial, susceptibility to, 1. Last evaluated: 2016-10-18. Review status: reviewed by expert panel. Criteria: ENIGMA BRCA1/2 Classification Criteria (2015). Collection method: curation. Allele origin: germline.
Comment: Variant allele predicted to encode a truncated non-functional protein.

Ambry Genetics
Classification: Pathogenic for Hereditary cancer-predisposing syndrome. Last evaluated: 2025-12-10. Review status: criteria provided, single submitter. Criteria: Ambry Variant Classification Scheme 2023. Collection method: clinical testing. Allele origin: germline. Not counted in ClinVar's aggregate classification.
Comment: The c.1407_1408delAA pathogenic mutation, located in coding exon 9 of the BRCA1 gene, results from a deletion of two nucleotides at nucleotide positions 1407 to 1408, causing a translational frameshift with a predicted alternate stop codon (p.S470Pfs*9). This variant is considered to be rare based on population cohorts in the Genome Aggregation Database (gnomAD). This alteration is expected to result in loss of function by premature protein truncation or nonsense-mediated mRNA decay. As such, this alteration is interpreted as a disease-causing mutation.

Labcorp Genetics (formerly Invitae), Labcorp
Classification: Pathogenic for Hereditary breast ovarian cancer syndrome. Last evaluated: 2024-06-11. Review status: criteria provided, single submitter. Criteria: Invitae Variant Classification Sherloc (09022015). Collection method: clinical testing. Allele origin: germline. Not counted in ClinVar's aggregate classification.
Comment: This sequence change creates a premature translational stop signal (p.Ser470Profs*9) in the BRCA1 gene. It is expected to result in an absent or disrupted protein product. Loss-of-function variants in BRCA1 are known to be pathogenic (PMID: 20104584). This variant is not present in population databases (gnomAD no frequency). This premature translational stop signal has been observed in individual(s) with breast and/or ovarian cancer (PMID: 29446198). ClinVar contains an entry for this variant (Variation ID: 252863). For these reasons, this variant has been classified as Pathogenic.

Women's Health and Genetics/Laboratory Corporation of America, LabCorp
Classification: Pathogenic for Hereditary breast ovarian cancer syndrome. Last evaluated: 2023-10-16. Review status: criteria provided, single submitter. Criteria: LabCorp Variant Classification Summary - May 2015. Collection method: clinical testing. Allele origin: germline. Not counted in ClinVar's aggregate classification.
Comment: Variant summary: BRCA1 c.1407_1408delAA (p.Ser470ProfsX9) results in a premature termination codon, predicted to cause a truncation of the encoded protein or absence of the protein due to nonsense mediated decay, which are commonly known mechanisms for disease. The variant was absent in 251228 control chromosomes. c.1407_1408delAA has been reported in the literature in individuals affected with breast cancer (e.g. Chavarri-Guerra_2022). To our knowledge, no experimental evidence demonstrating an impact on protein function has been reported. The following publication has been ascertained in the context of this evaluation (PMID: 35438911). Six submitters have cited clinical-significance assessments for this variant to ClinVar after 2014. All submitters classified the variant as pathogenic. Based on the evidence outlined above, the variant was classified as pathogenic.

GeneDx
Classification: Pathogenic. Last evaluated: 2022-10-10. Review status: criteria provided, single submitter. Criteria: GeneDx Variant Classification Process June 2021. Collection method: clinical testing. Allele origin: germline. Affected: yes. Not counted in ClinVar's aggregate classification.
Comment: Frameshift variant predicted to result in protein truncation or nonsense mediated decay in a gene for which loss of function is a known mechanism of disease; Not observed at significant frequency in large population cohorts (gnomAD); Truncating variants in this gene are considered pathogenic by a well-established clinical consortium and/or database; Has not been previously published as pathogenic or benign to our knowledge; Also known as 1526_1527del

Quest Diagnostics Nichols Institute San Juan Capistrano
Classification: Pathogenic. Last evaluated: 2022-06-24. Review status: criteria provided, single submitter. Criteria: Quest Diagnostics criteria. Collection method: clinical testing. Allele origin: unknown. Not counted in ClinVar's aggregate classification.
Comment: This frameshift variant alters the translational reading frame of the BRCA1 mRNA and causes the premature termination of BRCA1 protein synthesis. It has not been reported in large, multi-ethnic general populations. In the published literature, the variant has been reported in one or more individual(s) with triple negative breast cancer (PMID: 35438911 (2022)). Based on the available information, this variant is classified as pathogenic.

Fulgent Genetics
Classification: Pathogenic for Familial cancer of breast; Breast-ovarian cancer, familial, susceptibility to, 1; Pancreatic cancer, susceptibility to, 4; Fanconi anemia, complementation group S. Last evaluated: 2022-04-10. Review status: criteria provided, single submitter. Criteria: ACMG Guidelines, 2015. Collection method: clinical testing. Allele origin: unknown. Not counted in ClinVar's aggregate classification.

Consortium of Investigators of Modifiers of BRCA1/2 (CIMBA), c/o University of Cambridge
Classification: Pathogenic for Breast-ovarian cancer, familial, susceptibility to, 1. Last evaluated: 2015-10-02. Review status: criteria provided, single submitter. Criteria: CIMBA Mutation Classification guidelines May 2016. Collection method: clinical testing. Allele origin: germline. Not counted in ClinVar's aggregate classification.

Research Molecular Genetics Laboratory, Women's College Hospital, University of Toronto
Classification: Pathogenic for Hereditary breast ovarian cancer syndrome. Last evaluated: 2014-01-31. Review status: no assertion criteria provided. Collection method: research. Allele origin: germline. Affected: yes. Study: The Canadian Open Genetics Repository (COGR). Not counted in ClinVar's aggregate classification.

Sharing Clinical Reports Project (SCRP)
Classification: Pathogenic for Breast-ovarian cancer, familial 1. Last evaluated: 2012-11-12. Review status: no assertion criteria provided. Collection method: clinical testing. Allele origin: germline. Not counted in ClinVar's aggregate classification.

Literature cited by the submitters: PubMed 20104584 (cited by Labcorp Genetics (formerly Invitae), Labcorp); PubMed 29446198 (cited by Labcorp Genetics (formerly Invitae), Labcorp and Quest Diagnostics Nichols Institute San Juan Capistrano); PubMed 35438911 (cited by Women's Health and Genetics/Laboratory Corporation of America, LabCorp and Quest Diagnostics Nichols Institute San Juan Capistrano).

NM_007294.4(BRCA1):c.1407_1408del (p.Ser470fs)

Gene: BRCA1 (BRCA1 DNA repair associated; minus strand). Cytogenetic location: 17q21.31.
Variant type: Deletion.
Coding change: c.1407_1408del on transcript NM_007294.4 (MANE Select); coding-DNA positions 1407 to 1408, 2 bases deleted (AA; older notation c.1407_1408delAA).
Protein change: p.Ser470fs; shifts the reading frame from serine 470.
Molecular consequence: frameshift variant. On other transcripts: intron variant (137).
Genome position (GRCh38, 1-based): chr17:43,094,123-43,094,124, TT deleted on the plus strand (AA on the coding strand, the reverse complement: BRCA1 is on the minus strand). VCF-style (leftmost placement, unchanged base first): chr17-43094122-CTT-C. GRCh37 (hg19) VCF-style: chr17-41246139-CTT-C.
Other names: 1526delAA; c.1407_1408delAA (NM_007294.4); c.1194_1195del, p.Ser399fs (NM_001407571.1, NM_001407853.1, NM_001407894.1 and 9 more transcripts); c.1407_1408del, p.Ser470fs (NM_001407581.1, NM_001407582.1, NM_001407583.1 and 30 more transcripts); c.1404_1405del, p.Ser469fs (NM_001407587.1, NM_001407590.1, NM_001407591.1 and 22 more transcripts); c.1398_1399del, p.Ser467fs (NM_001407646.1, NM_001407647.1); c.1284_1285del, p.Ser429fs (NM_001407648.1, NM_001407664.1, NM_001407665.1 and 19 more transcripts); c.1281_1282del, p.Ser428fs (NM_001407649.1, NM_001407685.1, NM_001407686.1 and 11 more transcripts); and 42 more; short protein forms S423fs, S470fs, S174fs, S382fs, S403fs, S469fs, S343fs, S399fs.
Identifiers: ClinVar variation 252863 (VCV000252863.32), dbSNP rs879255476, ClinGen allele CA10586093.